The following is an entry in ClinVar:

ClinVar aggregate classification (germline): Likely benign. Review status: criteria provided, multiple submitters, no conflicts (2 of 4 stars). 2 submissions from 2 submitters: Likely benign (2). Last evaluated 2026-02-17.

Conditions:
SLC10A2-related disorder. Also called: SLC10A2-related condition.

Allele frequency attached by ClinVar (database versions not stated): gnomAD exomes 0.00001; TOPMed 0.00002; gnomAD 0.00005.
gnomAD v4.1: 15 of 1,613,724 alleles (0.00093%); highest among the groups gnomAD compares: East Asian, 0.0067%; no homozygotes.

Submissions (2):

PreventionGenetics, part of Exact Sciences
Classification: Likely benign for SLC10A2-related condition. Last evaluated: 2026-02-17. Review status: criteria provided, single submitter. Criteria: ACMG Guidelines, 2015. Collection method: clinical testing. Allele origin: germline.
Comment: This variant is classified as likely benign based on ACMG/AMP sequence variant interpretation guidelines (Richards et al. 2015 PMID: 25741868, with internal and published modifications).

Labcorp Genetics (formerly Invitae), Labcorp
Classification: Likely benign. Last evaluated: 2023-10-11. Review status: criteria provided, single submitter. Criteria: Invitae Variant Classification Sherloc (09022015). Collection method: clinical testing. Allele origin: germline.

NM_000452.3(SLC10A2):c.586-8T>C

Gene: SLC10A2 (solute carrier family 10 member 2; minus strand). Cytogenetic location: 13q33.1.
Variant type: single nucleotide variant.
Coding change: c.586-8T>C on transcript NM_000452.3 (MANE Select); 8 bases into the intron before coding-DNA position 586, T replaced by C.
Molecular consequence: intron variant.
Genome position (GRCh38, 1-based): chr13:103,051,440, A>G on the plus strand (T>C on the coding strand, the complement: SLC10A2 is on the minus strand). VCF-style: chr13-103051440-A-G. GRCh37 (hg19) VCF-style: chr13-103703790-A-G.
Other names: c.586-8T>C (NM_000452.2).
Identifiers: ClinVar variation 2876720 (VCV002876720.4), dbSNP rs1215098012, ClinGen allele CA612080355.